The following is an entry in ClinVar:

ClinVar aggregate classification (germline): Uncertain significance. Review status: criteria provided, multiple submitters, no conflicts (2 of 4 stars). 4 submissions from 4 submitters: Uncertain significance (4). Last evaluated 2025-06-04.

Conditions:
TWNK-related disorder. Also called: TWNK-related condition.

Allele frequency attached by ClinVar (database versions not stated): gnomAD exomes 0.00004 and 0.00006; ExAC 0.00006; gnomAD 0.00006 and 0.00007; TOPMed 0.00006; 1000 Genomes Project 30x 0.00031; ESP Exome Variant Server 0.00015; 1000 Genomes Project 0.00020.

Submissions (4):

PreventionGenetics, part of Exact Sciences
Classification: Uncertain significance for TWNK-related condition. Last evaluated: 2025-06-04. Review status: criteria provided, single submitter. Criteria: ACMG Guidelines, 2015. Collection method: clinical testing. Allele origin: germline.
Comment: The TWNK c.1112G>A variant is predicted to result in the amino acid substitution p.Arg371Gln. This variant was reported in an individual with early-onset Parkinson's disease (Percetti et al. 2022. PubMed ID: 35792653). This variant is reported in 0.012% of alleles in individuals of African descent in gnomAD. At this time, the clinical significance of this variant is uncertain due to the absence of conclusive functional and genetic evidence.

Labcorp Genetics (formerly Invitae), Labcorp
Classification: Uncertain significance. Last evaluated: 2025-05-19. Review status: criteria provided, single submitter. Criteria: Invitae Variant Classification Sherloc (09022015). Collection method: clinical testing. Allele origin: germline.
Comment: This sequence change replaces arginine, which is basic and polar, with glutamine, which is neutral and polar, at codon 371 of the TWNK protein (p.Arg371Gln). This variant is present in population databases (rs143309797, gnomAD 0.009%). This missense change has been observed in individual(s) with TWNK-related conditions (PMID: 35792653). ClinVar contains an entry for this variant (Variation ID: 214176). Invitae Evidence Modeling of protein sequence and biophysical properties (such as structural, functional, and spatial information, amino acid conservation, physicochemical variation, residue mobility, and thermodynamic stability) has been performed for this missense variant. However, the output from this modeling did not meet the statistical confidence thresholds required to predict the impact of this variant on TWNK protein function. In summary, the available evidence is currently insufficient to determine the role of this variant in disease. Therefore, it has been classified as a Variant of Uncertain Significance.

GeneDx
Classification: Uncertain significance. Last evaluated: 2024-11-08. Review status: criteria provided, single submitter. Criteria: GeneDx Variant Classification Process June 2021. Collection method: clinical testing. Allele origin: germline. Affected: yes.
Comment: In silico analysis supports that this missense variant does not alter protein structure/function; In silico analysis suggests this variant may impact gene splicing. In the absence of RNA/functional studies, the actual effect of this sequence change is unknown.; This variant is associated with the following publications: (PMID: 35792653)

Mayo Clinic Laboratories, Mayo Clinic
Classification: Uncertain significance. Last evaluated: 2021-02-26. Review status: criteria provided, single submitter. Criteria: ACMG Guidelines, 2015. Collection method: clinical testing. Allele origin: germline. Observed: 1 variant allele.

Literature cited by the submitters: PubMed 35792653 (cited by Labcorp Genetics (formerly Invitae), Labcorp).

NM_021830.5(TWNK):c.1112G>A (p.Arg371Gln)

Gene: TWNK (twinkle mtDNA helicase; plus strand). Cytogenetic location: 10q24.31.
Variant type: single nucleotide variant.
Coding change: c.1112G>A on transcript NM_021830.5 (MANE Select); coding-DNA position 1112, G replaced by A.
Protein change: p.Arg371Gln; replaces arginine 371 with glutamine.
Molecular consequence: missense variant. On other transcripts: non-coding transcript variant (4), intron variant (3).
Genome position (GRCh38, 1-based): chr10:100,989,322, G>A. VCF-style: chr10-100989322-G-A. GRCh37 (hg19) VCF-style: chr10-102749079-G-A.
Other names: p.R371Q:CGG>CAG; c.1112G>A, p.Arg371Gln (NM_001163812.2); c.-119-322G>A (NM_001163814.2, NM_001163813.2); c.-57-384G>A (NM_001368275.1); short protein forms R371Q.
Identifiers: ClinVar variation 214176 (VCV000214176.11), dbSNP rs143309797, ClinGen allele CA321847.